The following is an entry in ClinVar:

ClinVar aggregate classification (germline): Uncertain significance (1 of 4 stars; one submission).

Conditions:
Seizures, benign familial infantile, 3 (BFIS3). Also called: Familial neonatal seizures; CONVULSIONS, BENIGN FAMILIAL INFANTILE, 3. Identifiers: Orphanet 140927, Orphanet 306, MedGen C1843140, MONDO:0011904, OMIM 607745.
Developmental and epileptic encephalopathy, 11 (DEE11). Also called: Early infantile epileptic encephalopathy 11. Identifiers: Orphanet 1934, MedGen C3150987, MONDO:0013388, OMIM 613721.

Submission:

Labcorp Genetics (formerly Invitae), Labcorp
Classification: Uncertain significance for Seizures, benign familial infantile, 3; Developmental and epileptic encephalopathy, 11. Last evaluated: 2022-08-20. Review status: criteria provided, single submitter. Criteria: Invitae Variant Classification Sherloc (09022015). Collection method: clinical testing. Allele origin: germline.
Comment: In summary, the available evidence is currently insufficient to determine the role of this variant in disease. Therefore, it has been classified as a Variant of Uncertain Significance. Algorithms developed to predict the effect of missense changes on protein structure and function are either unavailable or do not agree on the potential impact of this missense change (SIFT: "Deleterious"; PolyPhen-2: "Benign"; Align-GVGD: "Class C0"). This variant has not been reported in the literature in individuals affected with SCN2A-related conditions. This variant is not present in population databases (gnomAD no frequency). This sequence change replaces phenylalanine, which is neutral and non-polar, with valine, which is neutral and non-polar, at codon 1456 of the SCN2A protein (p.Phe1456Val).

NM_001040142.2(SCN2A):c.4366T>G (p.Phe1456Val)

Gene: SCN2A (sodium voltage-gated channel alpha subunit 2; plus strand). Cytogenetic location: 2q24.3.
Variant type: single nucleotide variant.
Coding change: c.4366T>G on transcript NM_001040142.2 (MANE Select); coding-DNA position 4366, T replaced by G.
Protein change: p.Phe1456Val; replaces phenylalanine 1456 with valine.
Molecular consequence: missense variant.
Genome position (GRCh38, 1-based): chr2:165,380,649, T>G. VCF-style: chr2-165380649-T-G. GRCh37 (hg19) VCF-style: chr2-166237159-T-G.
Other names: c.4366T>G, p.Phe1456Val (NM_001040143.2, NM_001371246.1, NM_001371247.1 and 1 more transcripts); short protein forms F1456V.
Identifiers: ClinVar variation 1715700 (VCV001715700.6), dbSNP rs2468126466, ClinGen allele CA349033877.
Genomic context (GRCh38, chr2:165,380,649, plus strand): 5'-TAGGTAGAATTACAACCCAAGTATGAAGACAACCTGTACATGTATCTTTATTTTGTCATC[T>G]TTATTATTTTTGGTTCATTCTTTACCTTGAATCTTTTCATTGGTGTCATCATAGATAACT-3'
Protein context (NP_001035232.1, residues 1446-1466): NLYMYLYFVI[Phe1456Val]IIFGSFFTLN